The following is an entry in ClinVar:

NM_000218.3(KCNQ1):c.1690G>A (p.Asp564Asn)

Gene: KCNQ1 (potassium voltage-gated channel subfamily Q member 1; plus strand). Cytogenetic location: 11p15.5.
Variant type: single nucleotide variant.
Coding change: c.1690G>A on transcript NM_000218.3 (MANE Select); coding-DNA position 1690, G replaced by A.
Protein change: p.Asp564Asn; replaces aspartic acid 564 with asparagine.
Molecular consequence: missense variant.
Genome position (GRCh38, 1-based): chr11:2,776,990, G>A. VCF-style: chr11-2776990-G-A. GRCh37 (hg19) VCF-style: chr11-2798220-G-A.
Other names: c.1594G>A, p.Asp532Asn (NM_001406836.1); c.1420G>A, p.Asp474Asn (NM_001406837.1); c.1150G>A, p.Asp384Asn (NM_001406838.1); c.1309G>A, p.Asp437Asn (NM_181798.2); short protein forms D384N, D437N, D474N, D532N, D564N.
Identifiers: ClinVar variation 2074254 (VCV002074254.7), dbSNP rs764389392, ClinGen allele CA032144.

ClinVar aggregate classification (germline): Uncertain significance. Review status: criteria provided, multiple submitters, no conflicts (2 of 4 stars). 2 submissions from 2 submitters: Uncertain significance (2). Last evaluated 2022-05-12.

Conditions:
Long QT syndrome (LQTS). Identifiers: MedGen C0023976, MeSH D008133, MONDO:0002442. Disease mechanism: loss of function. Inheritance: Various modes of inheritance.

Allele frequency attached by ClinVar (database versions not stated): gnomAD exomes below 0.00001; ExAC 0.00001.
gnomAD v4.1: 4 of 1,614,150 alleles (0.00025%); highest among the groups gnomAD compares: South Asian, 0.0033%; no homozygotes.

Submissions (2):

Labcorp Genetics (formerly Invitae), Labcorp
Classification: Uncertain significance for Long QT syndrome. Last evaluated: 2022-05-12. Review status: criteria provided, single submitter. Criteria: Invitae Variant Classification Sherloc (09022015). Collection method: clinical testing. Allele origin: germline.
Comment: In summary, the available evidence is currently insufficient to determine the role of this variant in disease. Therefore, it has been classified as a Variant of Uncertain Significance. Algorithms developed to predict the effect of missense changes on protein structure and function are either unavailable or do not agree on the potential impact of this missense change (SIFT: "Deleterious"; PolyPhen-2: "Probably Damaging"; Align-GVGD: "Class C0"). This variant has not been reported in the literature in individuals affected with KCNQ1-related conditions. This variant is present in population databases (rs764389392, gnomAD 0.006%). This sequence change replaces aspartic acid, which is acidic and polar, with asparagine, which is neutral and polar, at codon 564 of the KCNQ1 protein (p.Asp564Asn).

Revvity Omics, Revvity
Classification: Uncertain significance. Last evaluated: 2020-01-16. Review status: criteria provided, single submitter. Criteria: ACMG Guidelines, 2015. Collection method: clinical testing. Allele origin: germline.